The following is an entry in ClinVar:

NM_016284.5(CNOT1):c.4114C>T (p.Pro1372Ser)

Gene: CNOT1 (CCR4-NOT transcription complex subunit 1; minus strand). Cytogenetic location: 16q21.
Variant type: single nucleotide variant.
Coding change: c.4114C>T on transcript NM_016284.5 (MANE Select); coding-DNA position 4114, C replaced by T.
Protein change: p.Pro1372Ser; replaces proline 1372 with serine.
Molecular consequence: missense variant. On other transcripts: non-coding transcript variant (1).
Genome position (GRCh38, 1-based): chr16:58,545,384, G>A on the plus strand (C>T on the coding strand, the complement: CNOT1 is on the minus strand). VCF-style: chr16-58545384-G-A. GRCh37 (hg19) VCF-style: chr16-58579288-G-A.
Other names: c.4099C>T, p.Pro1367Ser (NM_001265612.2); c.4114C>T, p.Pro1372Ser (NM_206999.3); short protein forms P1367S, P1372S.
Identifiers: ClinVar variation 3376289 (VCV003376289.1).
Genomic context (GRCh38, chr16:58,545,384, plus strand): 5'-AACTAGAAGCTGGGAGAATGGAGCAGTGTTTACTTACTGTTGGATTCAGAGTAATGTGTG[G>A]TGCCAAGCCCGCAAGGGAATAGACATTGATGTCGTGGTAGCTGTACTGTGGCTGTGGTGG-3'
Protein context (NP_057368.3, residues 1362-1382): INVYSLAGLA[Pro1372Ser]HITLNPTIPL

ClinVar aggregate classification (germline): Uncertain significance (1 of 4 stars; one submission).

Conditions:
Vissers-Bodmer syndrome. Identifiers: MedGen C5436647, MONDO:0033618, OMIM 619033.

Submission:

Pittsburgh Clinical Genomics Laboratory, University of Pittsburgh Medical Center
Classification: Uncertain significance for Vissers-Bodmer syndrome. Last evaluated: 2022-09-23. Review status: criteria provided, single submitter. Criteria: ACMG Guidelines, 2015. Collection method: clinical testing. Allele origin: germline. Inheritance: Autosomal dominant inheritance. Affected: yes.
Comment: This sequence variant is a single nucleotide substitution (C>T) at coding position 4114 of the CNOT1 gene that results in a proline to serine amino acid change at residue 1372 of the CNOT1 protein. The Pro1372 residue falls in central coiled coil domain that interacts with CNOT9 (PMID: 33138308). This is a novel variant that is not found in an online database of clinically annotated variants (ClinVar), control populations datasets (gnomAD, 0 of approximately 250,000 alleles) or in the published literature, to our knowledge. Multiple bioinformatic tools predict that this proline to serine amino acid change would be damaging, and a proline at this position is strongly conserved across the vertebrate species examined. Studies examining the functiol consequence of this variant have not been published, to our knowledge. At this time, there is insufficient evidence to determine if this variant is pathogenic or benign. Therefore, we consider this a variant of uncertain significance. ACMG Criteria: PM2, PP3

Literature cited by the submitters: PubMed 33138308.